The following is an entry in ClinVar:

NM_001904.4(CTNNB1):c.1582C>T (p.Arg528Cys)

Genes: CTNNB1 (catenin beta 1; plus strand), LOC126806659 (BRD4-independent group 4 enhancer GRCh37_chr3:41274918-41276117; plus strand). Cytogenetic location: 3p22.1.
Variant type: single nucleotide variant.
Coding change: c.1582C>T on transcript NM_001904.4 (MANE Select); coding-DNA position 1582, C replaced by T.
Protein change: p.Arg528Cys; replaces arginine 528 with cysteine.
Molecular consequence: missense variant.
Genome position (GRCh38, 1-based): chr3:41,234,196, C>T. VCF-style: chr3-41234196-C-T. GRCh37 (hg19) VCF-style: chr3-41275687-C-T.
Other names: c.1582C>T, p.Arg528Cys (NM_001098209.2, NM_001098210.2); c.1561C>T, p.Arg521Cys (NM_001330729.2); short protein forms R521C, R528C.
Identifiers: ClinVar variation 1984487 (VCV001984487.4), dbSNP rs756737848, ClinGen allele CA2331126.

ClinVar aggregate classification (germline): Uncertain significance (1 of 4 stars; one submission).

Allele frequency attached by ClinVar (database versions not stated): gnomAD exomes below 0.00001; ExAC 0.00001; gnomAD 0.00001; TOPMed 0.00001.

Submission:

Labcorp Genetics (formerly Invitae), Labcorp
Classification: Uncertain significance. Last evaluated: 2025-06-23. Review status: criteria provided, single submitter. Criteria: Invitae Variant Classification Sherloc (09022015). Collection method: clinical testing. Allele origin: germline.
Comment: This sequence change replaces arginine, which is basic and polar, with cysteine, which is neutral and slightly polar, at codon 528 of the CTNNB1 protein (p.Arg528Cys). This variant is present in population databases (rs756737848, gnomAD 0.003%). This missense change has been observed in individual(s) with neurodevelopmental disorder (PMID: 28191889). ClinVar contains an entry for this variant (Variation ID: 1984487). Invitae Evidence Modeling of protein sequence and biophysical properties (such as structural, functional, and spatial information, amino acid conservation, physicochemical variation, residue mobility, and thermodynamic stability) indicates that this missense variant is not expected to disrupt CTNNB1 protein function with a negative predictive value of 80%. In summary, the available evidence is currently insufficient to determine the role of this variant in disease. Therefore, it has been classified as a Variant of Uncertain Significance.

Literature cited by the submitters: PubMed 28191889.